The following is an entry in ClinVar:

NM_000642.3(AGL):c.1010A>C (p.Gln337Pro)

Gene: AGL (amylo-alpha-1,6-glucosidase and 4-alpha-glucanotransferase; plus strand). Cytogenetic location: 1p21.2.
Variant type: single nucleotide variant.
Coding change: c.1010A>C on transcript NM_000642.3 (MANE Select); coding-DNA position 1010, A replaced by C.
Protein change: p.Gln337Pro; replaces glutamine 337 with proline.
Molecular consequence: missense variant.
Genome position (GRCh38, 1-based): chr1:99,874,738, A>C. VCF-style: chr1-99874738-A-C. GRCh37 (hg19) VCF-style: chr1-100340294-A-C.
Other names: c.1010A>C, p.Gln337Pro (NM_000028.3, NM_000643.3, NM_000644.3 and 3 more transcripts); c.962A>C, p.Gln321Pro (NM_000646.3); c.806A>C, p.Gln269Pro (NM_001425328.1, NM_001425329.1); c.632A>C, p.Gln211Pro (NM_001425332.1); short protein forms Q321P, Q337P, Q211P, Q269P.
Identifiers: ClinVar variation 953171 (VCV000953171.7), dbSNP rs1651356099, ClinGen allele CA341343099.

ClinVar aggregate classification (germline): Uncertain significance (1 of 4 stars; one submission).

Conditions:
Glycogen storage disease type III (GSD3). Also called: Cori disease; FORBES DISEASE. Identifiers: Orphanet 366, MedGen C0017922, MONDO:0009291, OMIM 232400.

Allele frequency attached by ClinVar (database versions not stated): gnomAD exomes below 0.00001; TOPMed 0.00002.
gnomAD v4.1: 2 of 1,600,590 alleles (0.00012%); highest among the groups gnomAD compares: Non-Finnish European, 0.00017%; no homozygotes.

Submission:

Labcorp Genetics (formerly Invitae), Labcorp
Classification: Uncertain significance for Glycogen storage disease type III. Last evaluated: 2021-09-01. Review status: criteria provided, single submitter. Criteria: Invitae Variant Classification Sherloc (09022015). Collection method: clinical testing. Allele origin: germline.
Comment: This sequence change replaces glutamine with proline at codon 337 of the AGL protein (p.Gln337Pro). The glutamine residue is moderately conserved and there is a moderate physicochemical difference between glutamine and proline. This variant is not present in population databases (ExAC no frequency). This variant has not been reported in the literature in individuals affected with AGL-related conditions. Algorithms developed to predict the effect of missense changes on protein structure and function are either unavailable or do not agree on the potential impact of this missense change (SIFT: "Deleterious"; PolyPhen-2: "Benign"; Align-GVGD: "Class C0"). Algorithms developed to predict the effect of sequence changes on RNA splicing suggest that this variant may create or strengthen a splice site. In summary, the available evidence is currently insufficient to determine the role of this variant in disease. Therefore, it has been classified as a Variant of Uncertain Significance.